The following is an entry in ClinVar:

ClinVar aggregate classification (germline): Uncertain significance (1 of 4 stars; one submission).

Conditions:
Inborn genetic diseases. Identifiers: MedGen C0950123, MeSH D030342.

Submission:

Ambry Genetics
Classification: Uncertain significance for Inborn genetic diseases. Last evaluated: 2023-12-01. Review status: criteria provided, single submitter. Criteria: Ambry Variant Classification Scheme 2023. Collection method: clinical testing. Allele origin: germline.
Comment: The p.G321D variant (also known as c.962G>A), located in coding exon 11 of the ERCC2 gene, results from a G to A substitution at nucleotide position 962. The glycine at codon 321 is replaced by aspartic acid, an amino acid with similar properties. This amino acid position is conserved. In addition, this alteration is predicted to be deleterious by in silico analysis. Since supporting evidence is limited at this time, the clinical significance of this alteration remains unclear.

NM_000400.4(ERCC2):c.962G>A (p.Gly321Asp)

Gene: ERCC2 (ERCC excision repair 2, TFIIH core complex helicase subunit; minus strand). Cytogenetic location: 19q13.32.
Variant type: single nucleotide variant.
Coding change: c.962G>A on transcript NM_000400.4 (MANE Select); coding-DNA position 962, G replaced by A.
Protein change: p.Gly321Asp; replaces glycine 321 with aspartic acid.
Molecular consequence: missense variant.
Genome position (GRCh38, 1-based): chr19:45,363,899, C>T on the plus strand (G>A on the coding strand, the complement: ERCC2 is on the minus strand). VCF-style: chr19-45363899-C-T. GRCh37 (hg19) VCF-style: chr19-45867157-C-T.
Other names: c.890G>A, p.Gly297Asp (NM_001130867.2); short protein forms G297D, G321D.
Identifiers: ClinVar variation 3231723 (VCV003231723.1), dbSNP rs2514028985, ClinGen allele CA406373122.
Genomic context (GRCh38, chr19:45,363,899, plus strand): 5'-TTCACGTACTCCAGCAGCCGCCTCAGGAAGCCCAGGAAATGCTCGGCCGTGCGGATGGAG[C>T]CAGGCACTGCCTCTGCGAGGAGACGCTATCAGCGGCGACGGGGAGGCGGGAAAGGGACTG-3'
Protein context (NP_000391.1, residues 311-331): PDEVLQEAVP[Gly321Asp]SIRTAEHFLG